The following is an entry in ClinVar:

NC_000008.10:g.(?_37595441)_(38961219_?)del

Genes: EIF4EBP1 (eukaryotic translation initiation factor 4E binding protein 1; plus strand), LINC03042 (long intergenic non-protein coding RNA 3042; minus strand), GOT1L1 (glutamic-oxaloacetic transaminase 1 like 1; minus strand), PLPP5 (phospholipid phosphatase 5; minus strand), PLEKHA2 (pleckstrin homology domain containing A2; plus strand) and 18 more. Cytogenetic location: 8p11.23-11.22.
Variant type: Deletion.
Identifiers: ClinVar variation 1455925 (VCV001455925.5).

ClinVar aggregate classification (germline): Pathogenic. Review status: criteria provided, single submitter (1 of 4 stars). 2 submissions from 1 submitter: Pathogenic (1). 1 of the submissions does not count toward it. Last evaluated 2021-08-20.

Conditions:
Hypogonadotropic hypogonadism 2 with or without anosmia (HH2). Also called: HYPOGONADOTROPIC HYPOGONADISM 2 WITH OR WITHOUT ANOSMIA, SUSCEPTIBILITY TO; HYPOGONADOTROPIC HYPOGONADISM 2 WITHOUT ANOSMIA, SUSCEPTIBILITY TO; FGFR1-Related GnRH Deficiency (Kallmann Syndrome 2); HYPOGONADOTROPIC HYPOGONADISM 2 WITHOUT ANOSMIA. Identifiers: Orphanet 478, MedGen C1563720, MONDO:0007844, OMIM 147950. Disease mechanism: loss of function.
Pfeiffer syndrome (ACS5). Also called: ACS V. Identifiers: Orphanet 710, MedGen C0220658, MONDO:0007043, OMIM 101600.

Submissions (2):

Labcorp Genetics (formerly Invitae), Labcorp
Classification: Pathogenic. Last evaluated: 2021-08-20. Review status: criteria provided, single submitter. Criteria: Invitae Variant Classification Sherloc (09022015). Collection method: clinical testing. Allele origin: germline.
Comment: A gross deletion of the genomic region encompassing the full coding sequence of the STAR gene has been identified. Loss-of-function variants in STAR are known to be pathogenic (PMID: 8948562). The boundaries of this event are unknown as they extend beyond the assayed region for this gene and therefore may encompass additional genes. A similar copy number variant has been observed in individual(s) with lipoid adrenal hyperplasia (PMID: 22249004). It has also been observed to segregate with disease in related individuals. For these reasons, this variant has been classified as Pathogenic.

Labcorp Genetics (formerly Invitae), Labcorp
Classification: Pathogenic for Pfeiffer syndrome; Hypogonadotropic hypogonadism 2 with or without anosmia. Last evaluated: 2021-08-20. Review status: flagged submission. Criteria: Invitae Variant Classification Sherloc (09022015). Collection method: clinical testing. Allele origin: germline. Not counted in ClinVar's aggregate classification.
Comment: A gross deletion of the genomic region encompassing the full coding sequence of the FGFR1 gene has been identified. Loss-of-function variants in FGFR1 are known to be pathogenic (PMID: 12627230). The boundaries of this event are unknown as they extend beyond the assayed region for this gene and therefore may encompass additional genes. A similar copy number variant has been observed in individual(s) with normosmic hypogonadotropic hypogonadism (PMID: 19489874). For these reasons, this variant has been classified as Pathogenic.
ClinVar note: Reason: This record appears to be redundant with a more recent record from the same submitter.
ClinVar note: Notes: SCV002235830 appears to be redundant with SCV002243310.

Literature cited by the submitters: PubMed 8948562; PubMed 22249004; PubMed 12627230; PubMed 19489874.